The following is an entry in ClinVar:

ClinVar aggregate classification (germline): Uncertain significance (1 of 4 stars; one submission).

gnomAD v4.1: 1 of 1,210,980 alleles (0.000083%); no homozygotes.

Submission:

GeneDx
Classification: Uncertain significance. Last evaluated: 2026-02-21. Review status: criteria provided, single submitter. Criteria: GeneDx Variant Classification Process June 2021. Collection method: clinical testing. Allele origin: germline.
Comment: Not observed at significant frequency in large population cohorts (gnomAD); In silico analysis suggests that this missense variant does not alter protein structure/function; Has not been previously published as pathogenic or benign to our knowledge

NM_002547.3(OPHN1):c.2308G>A (p.Glu770Lys)

Gene: OPHN1 (oligophrenin 1; minus strand). Cytogenetic location: Xq12.
Variant type: single nucleotide variant.
Coding change: c.2308G>A on transcript NM_002547.3 (MANE Select); coding-DNA position 2308, G replaced by A.
Protein change: p.Glu770Lys; replaces glutamic acid 770 with lysine.
Molecular consequence: missense variant.
Genome position (GRCh38, 1-based): chrX:68,053,661, C>T on the plus strand (G>A on the coding strand, the complement: OPHN1 is on the minus strand). VCF-style: chrX-68053661-C-T. GRCh37 (hg19) VCF-style: chrX-67273503-C-T.
Other names: c.1984G>A, p.Glu662Lys (NM_001437258.1); short protein forms E770K, E662K.
Identifiers: ClinVar variation 5009933 (VCV005009933.1).